The following is an entry in ClinVar:

ClinVar aggregate classification (germline): Pathogenic (1 of 4 stars; one submission).

Conditions:
Familial cancer of breast. Also called: Hereditary breast cancer; BREAST CANCER, FAMILIAL; hereditary breast carcinoma. Identifiers: Orphanet 227535, MedGen C0346153, MONDO:0016419, OMIM 114480. Disease mechanism: loss of function.

Submission:

Myriad Genetics, Inc.
Classification: Pathogenic for Familial cancer of breast. Last evaluated: 2023-09-12. Review status: criteria provided, single submitter. Criteria: Myriad Autosomal Dominant, Autosomal Recessive and X-Linked Classification Criteria (2023). Collection method: clinical testing. Allele origin: unknown.
Comment: This variant is considered pathogenic. This variant creates a frameshift predicted to result in premature protein truncation.

NM_024675.4(PALB2):c.1926del (p.Met642fs)

Gene: PALB2 (partner and localizer of BRCA2; minus strand). Cytogenetic location: 16p12.2.
Variant type: Deletion.
Coding change: c.1926del on transcript NM_024675.4 (MANE Select); coding-DNA position 1926, one base deleted (G; older notation c.1926delG).
Protein change: p.Met642fs; shifts the reading frame from methionine 642.
Molecular consequence: frameshift variant. On other transcripts: intron variant (1).
Genome position (GRCh38, 1-based): chr16:23,630,228, C deleted on the plus strand (G on the coding strand, the reverse complement: PALB2 is on the minus strand). VCF-style (leftmost placement, unchanged base first): chr16-23630227-AC-A. GRCh37 (hg19) VCF-style: chr16-23641548-AC-A.
Other names: c.1866del, p.Met622fs (NM_001407296.1); c.1926del, p.Met642fs (NM_001407297.1, NM_001407298.1, NM_001407299.1 and 3 more transcripts); c.1041del, p.Met347fs (NM_001407304.1, NM_001407305.1, NM_001407306.1 and 5 more transcripts); c.138del, p.Met46fs (NM_001407312.1, NM_001407313.1); c.49-953del (NM_001407314.1); short protein forms M347fs, M46fs, M622fs, M642fs.
Identifiers: ClinVar variation 2674096 (VCV002674096.1), dbSNP rs2506430807, ClinGen allele CA2695197517.